The following is an entry in ClinVar:

ClinVar aggregate classification (germline): Uncertain significance. Review status: criteria provided, multiple submitters, no conflicts (2 of 4 stars). 3 submissions from 3 submitters: Uncertain significance (3). Last evaluated 2025-08-13.

Conditions:
NUP133-related disorder. Also called: NUP133-related condition.

Allele frequency attached by ClinVar (database versions not stated): gnomAD exomes 0.00006; ESP Exome Variant Server 0.00008; ExAC 0.00011; gnomAD 0.00029; TOPMed 0.00030; 1000 Genomes Project 30x 0.00047; 1000 Genomes Project 0.00060.
gnomAD v4.1: 135 of 1,613,922 alleles (0.0084%); highest among the groups gnomAD compares: African/African-American, 0.08%; no homozygotes.

Submissions (3):

PreventionGenetics, part of Exact Sciences
Classification: Uncertain significance for NUP133-related condition. Last evaluated: 2025-08-13. Review status: criteria provided, single submitter. Criteria: ACMG Guidelines, 2015. Collection method: clinical testing. Allele origin: germline.
Comment: The NUP133 c.2093C>T variant is predicted to result in the amino acid substitution p.Thr698Ile. To our knowledge, this variant has not been reported in the literature. This variant is reported in 0.068% of alleles in individuals of African descent in gnomAD. Although we suspect that this variant may be benign, at this time, the clinical significance of this variant is uncertain due to the absence of conclusive functional and genetic evidence.

Labcorp Genetics (formerly Invitae), Labcorp
Classification: Uncertain significance. Last evaluated: 2025-06-12. Review status: criteria provided, single submitter. Criteria: Invitae Variant Classification Sherloc (09022015). Collection method: clinical testing. Allele origin: germline.
Comment: This sequence change replaces threonine, which is neutral and polar, with isoleucine, which is neutral and non-polar, at codon 698 of the NUP133 protein (p.Thr698Ile). This variant is present in population databases (rs374413292, gnomAD 0.07%), and has an allele count higher than expected for a pathogenic variant. This variant has not been reported in the literature in individuals affected with NUP133-related conditions. ClinVar contains an entry for this variant (Variation ID: 2168406). An algorithm developed to predict the effect of missense changes on protein structure and function (PolyPhen-2) suggests that this variant is likely to be tolerated. In summary, the available evidence is currently insufficient to determine the role of this variant in disease. Therefore, it has been classified as a Variant of Uncertain Significance.

Mayo Clinic Laboratories, Mayo Clinic
Classification: Uncertain significance. Last evaluated: 2024-08-14. Review status: criteria provided, single submitter. Criteria: ACMG Guidelines, 2015. Collection method: clinical testing. Allele origin: germline. Observed: 1 variant allele.
Comment: BP4

NM_018230.3(NUP133):c.2093C>T (p.Thr698Ile)

Gene: NUP133 (nucleoporin 133; minus strand). Cytogenetic location: 1q42.13.
Variant type: single nucleotide variant.
Coding change: c.2093C>T on transcript NM_018230.3 (MANE Select); coding-DNA position 2093, C replaced by T.
Protein change: p.Thr698Ile; replaces threonine 698 with isoleucine.
Molecular consequence: missense variant.
Genome position (GRCh38, 1-based): chr1:229,466,740, G>A on the plus strand (C>T on the coding strand, the complement: NUP133 is on the minus strand). VCF-style: chr1-229466740-G-A. GRCh37 (hg19) VCF-style: chr1-229602487-G-A.
Other names: p.Thr698Ile; c.2093C>T (NM_018230.2); short protein forms T698I.
Identifiers: ClinVar variation 2168406 (VCV002168406.6), dbSNP rs374413292, ClinGen allele CA1443373.